The following is an entry in ClinVar:

NM_015047.3(EMC1):c.1169C>G (p.Thr390Arg)

Genes: EMC1 (ER membrane protein complex subunit 1; minus strand), EMC1-AS1 (EMC1 antisense RNA 1; plus strand). Cytogenetic location: 1p36.13.
Variant type: single nucleotide variant.
Coding change: c.1169C>G on transcript NM_015047.3 (MANE Select); coding-DNA position 1169, C replaced by G.
Protein change: p.Thr390Arg; replaces threonine 390 with arginine.
Molecular consequence: missense variant.
Genome position (GRCh38, 1-based): chr1:19,238,060, G>C on the plus strand (C>G on the coding strand, the complement: EMC1 is on the minus strand). VCF-style: chr1-19238060-G-C. GRCh37 (hg19) VCF-style: chr1-19564554-G-C.
Other names: c.1166C>G, p.Thr389Arg (NM_001271427.2, NM_001375821.1); c.1169C>G, p.Thr390Arg (NM_001271428.2, NM_001375820.1); c.1103C>G, p.Thr368Arg (NM_001271429.2); short protein forms T390R, T368R, T389R.
Identifiers: ClinVar variation 2857030 (VCV002857030.3), dbSNP rs144716849, ClinGen allele CA338766376.

ClinVar aggregate classification (germline): Uncertain significance (1 of 4 stars; one submission).

Submission:

Labcorp Genetics (formerly Invitae), Labcorp
Classification: Uncertain significance. Last evaluated: 2024-06-03. Review status: criteria provided, single submitter. Criteria: Invitae Variant Classification Sherloc (09022015). Collection method: clinical testing. Allele origin: germline.
Comment: This sequence change replaces threonine, which is neutral and polar, with arginine, which is basic and polar, at codon 390 of the EMC1 protein (p.Thr390Arg). This variant is not present in population databases (gnomAD no frequency). This variant has not been reported in the literature in individuals affected with EMC1-related conditions. Advanced modeling of protein sequence and biophysical properties (such as structural, functional, and spatial information, amino acid conservation, physicochemical variation, residue mobility, and thermodynamic stability) performed at Invitae indicates that this missense variant is not expected to disrupt EMC1 protein function with a negative predictive value of 80%. In summary, the available evidence is currently insufficient to determine the role of this variant in disease. Therefore, it has been classified as a Variant of Uncertain Significance.